The following is an entry in ClinVar:

NM_006231.4(POLE):c.2864+9C>T

Gene: POLE (DNA polymerase epsilon, catalytic subunit; minus strand). Cytogenetic location: 12q24.33.
Variant type: single nucleotide variant.
Coding change: c.2864+9C>T on transcript NM_006231.4 (MANE Select); 9 bases into the intron after coding-DNA position 2864, C replaced by T.
Molecular consequence: intron variant.
Genome position (GRCh38, 1-based): chr12:132,661,518, G>A on the plus strand (C>T on the coding strand, the complement: POLE is on the minus strand). VCF-style: chr12-132661518-G-A. GRCh37 (hg19) VCF-style: chr12-133238104-G-A.
Identifiers: ClinVar variation 383544 (VCV000383544.12), dbSNP rs780578558, ClinGen allele CA6893437.

ClinVar aggregate classification (germline): Likely benign. Review status: criteria provided, multiple submitters, no conflicts (2 of 4 stars). 3 submissions from 3 submitters: Likely benign (3). Last evaluated 2025-12-23.

Allele frequency attached by ClinVar (database versions not stated): gnomAD exomes below 0.00001; ExAC 0.00001; gnomAD 0.00001; TOPMed 0.00001.
gnomAD v4.1: 1 of 1,613,660 alleles (0.000062%); highest among the groups gnomAD compares: Non-Finnish European, 0.000085%; no homozygotes.

Submissions (3):

Labcorp Genetics (formerly Invitae), Labcorp
Classification: Likely benign. Last evaluated: 2025-12-23. Review status: criteria provided, single submitter. Criteria: Invitae Variant Classification Sherloc (09022015). Collection method: clinical testing. Allele origin: germline.

Women's Health and Genetics/Laboratory Corporation of America, LabCorp
Classification: Likely benign. Last evaluated: 2025-07-09. Review status: criteria provided, single submitter. Criteria: LabCorp Variant Classification Summary - May 2015. Collection method: clinical testing. Allele origin: germline.

GeneDx
Classification: Likely benign. Last evaluated: 2016-02-01. Review status: criteria provided, single submitter. Criteria: GeneDx Variant Classification (06012015). Collection method: clinical testing. Allele origin: germline. Affected: yes.
Comment: This variant is considered likely benign or benign based on one or more of the following criteria: it is a conservative change, it occurs at a poorly conserved position in the protein, it is predicted to be benign by multiple in silico algorithms, and/or has population frequency not consistent with disease.